The following is an entry in ClinVar:

NM_177438.3(DICER1):c.5290G>C (p.Glu1764Gln)

Gene: DICER1 (dicer 1, ribonuclease III; minus strand). Cytogenetic location: 14q32.13.
Variant type: single nucleotide variant.
Coding change: c.5290G>C on transcript NM_177438.3 (MANE Select); coding-DNA position 5290, G replaced by C.
Protein change: p.Glu1764Gln; replaces glutamic acid 1764 with glutamine.
Molecular consequence: missense variant. On other transcripts: non-coding transcript variant (6).
Genome position (GRCh38, 1-based): chr14:95,093,962, C>G on the plus strand (G>C on the coding strand, the complement: DICER1 is on the minus strand). VCF-style: chr14-95093962-C-G. GRCh37 (hg19) VCF-style: chr14-95560299-C-G.
Other names: c.5290G>C, p.Glu1764Gln (NM_001195573.1, NM_001271282.3, NM_001291628.2 and 9 more transcripts); c.5008G>C, p.Glu1670Gln (NM_001395686.1); c.4885G>C, p.Glu1629Gln (NM_001395687.1, NM_001395688.1, NM_001395689.1 and 1 more transcripts); c.4723G>C, p.Glu1575Gln (NM_001395691.1); c.3607G>C, p.Glu1203Gln (NM_001395697.1); short protein forms E1575Q, E1629Q, E1203Q, E1670Q, E1764Q.
Identifiers: ClinVar variation 2004681 (VCV002004681.4), dbSNP rs2139811863, ClinGen allele CA390865026.

ClinVar aggregate classification (germline): Uncertain significance (1 of 4 stars; one submission).

Conditions:
DICER1-related tumor predisposition. Also called: DICER1-related pleuropulmonary blastoma cancer predisposition syndrome; DICER1 syndrome. Identifiers: Orphanet 284343, MedGen C3839822, MONDO:0100216.

Submission:

Labcorp Genetics (formerly Invitae), Labcorp
Classification: Uncertain significance for DICER1-related tumor predisposition. Last evaluated: 2022-06-11. Review status: criteria provided, single submitter. Criteria: Invitae Variant Classification Sherloc (09022015). Collection method: clinical testing. Allele origin: germline.
Comment: In summary, the available evidence is currently insufficient to determine the role of this variant in disease. Therefore, it has been classified as a Variant of Uncertain Significance. Algorithms developed to predict the effect of missense changes on protein structure and function (SIFT, PolyPhen-2, Align-GVGD) all suggest that this variant is likely to be tolerated. This variant has not been reported in the literature in individuals affected with DICER1-related conditions. This variant is not present in population databases (gnomAD no frequency). This sequence change replaces glutamic acid, which is acidic and polar, with glutamine, which is neutral and polar, at codon 1764 of the DICER1 protein (p.Glu1764Gln).